The following is an entry in ClinVar:

ClinVar aggregate classification (germline): Uncertain significance (1 of 4 stars; one submission).

Submission:

Labcorp Genetics (formerly Invitae), Labcorp
Classification: Uncertain significance. Last evaluated: 2024-06-03. Review status: criteria provided, single submitter. Criteria: Invitae Variant Classification Sherloc (09022015). Collection method: clinical testing. Allele origin: germline.
Comment: This sequence change replaces phenylalanine, which is neutral and non-polar, with tyrosine, which is neutral and polar, at codon 236 of the JAK2 protein (p.Phe236Tyr). This variant is not present in population databases (gnomAD no frequency). This variant has not been reported in the literature in individuals affected with JAK2-related conditions. Advanced modeling of protein sequence and biophysical properties (such as structural, functional, and spatial information, amino acid conservation, physicochemical variation, residue mobility, and thermodynamic stability) performed at Invitae indicates that this missense variant is not expected to disrupt JAK2 protein function with a negative predictive value of 80%. In summary, the available evidence is currently insufficient to determine the role of this variant in disease. Therefore, it has been classified as a Variant of Uncertain Significance.

NM_004972.4(JAK2):c.707T>A (p.Phe236Tyr)

Genes: INSL6 (insulin like 6; minus strand), JAK2 (Janus kinase 2; plus strand). Cytogenetic location: 9p24.1.
Variant type: single nucleotide variant.
Coding change: c.707T>A on transcript NM_004972.4 (MANE Select); coding-DNA position 707, T replaced by A.
Protein change: p.Phe236Tyr; replaces phenylalanine 236 with tyrosine.
Molecular consequence: missense variant. On other transcripts: 5 prime UTR variant (2), non-coding transcript variant (2).
Genome position (GRCh38, 1-based): chr9:5,054,655, T>A. VCF-style: chr9-5054655-T-A. GRCh37 (hg19) VCF-style: chr9-5054655-T-A.
Other names: c.707T>A, p.Phe236Tyr (NM_001322194.2, NM_001322195.2, NM_001322196.2); c.-414T>A (NM_001322198.2, NM_001322199.2); c.260T>A, p.Phe87Tyr (NM_001322204.2); short protein forms F87Y, F236Y.
Identifiers: ClinVar variation 3647064 (VCV003647064.2).